The following is an entry in ClinVar:

ClinVar aggregate classification (germline): Conflicting classifications of pathogenicity. Review status: criteria provided, conflicting classifications (1 of 4 stars). 3 submissions from 3 submitters: Uncertain significance (2); Likely benign (1). Last evaluated 2025-02-08.

Conditions:
Inborn genetic diseases. Identifiers: MedGen C0950123, MeSH D030342.
KBG syndrome (KBGS). Also called: ANKRD11-Related KBG Syndrome. Identifiers: Orphanet 2332, MedGen C0220687, MONDO:0007846, OMIM 148050.

Allele frequency attached by ClinVar (database versions not stated): gnomAD exomes 0.00005; TOPMed 0.00006; gnomAD 0.00007.
gnomAD v4.1: 77 of 1,437,642 alleles (0.0054%); highest among the groups gnomAD compares: Non-Finnish European, 0.0062%; no homozygotes.

Submissions (3):

Ambry Genetics
Classification: Uncertain significance for Inborn genetic diseases. Last evaluated: 2025-02-08. Review status: criteria provided, single submitter. Criteria: Ambry Variant Classification Scheme 2023. Collection method: clinical testing. Allele origin: germline.

Labcorp Genetics (formerly Invitae), Labcorp
Classification: Uncertain significance for KBG syndrome. Last evaluated: 2024-10-12. Review status: criteria provided, single submitter. Criteria: Invitae Variant Classification Sherloc (09022015). Collection method: clinical testing. Allele origin: germline.
Comment: This sequence change replaces glutamic acid, which is acidic and polar, with lysine, which is basic and polar, at codon 2304 of the ANKRD11 protein (p.Glu2304Lys). This variant is present in population databases (no rsID available, gnomAD 0.006%). This variant has not been reported in the literature in individuals affected with ANKRD11-related conditions. ClinVar contains an entry for this variant (Variation ID: 1699269). Invitae Evidence Modeling of protein sequence and biophysical properties (such as structural, functional, and spatial information, amino acid conservation, physicochemical variation, residue mobility, and thermodynamic stability) indicates that this missense variant is not expected to disrupt ANKRD11 protein function with a negative predictive value of 95%. In summary, the available evidence is currently insufficient to determine the role of this variant in disease. Therefore, it has been classified as a Variant of Uncertain Significance.

Victorian Clinical Genetics Services, Murdoch Childrens Research Institute
Classification: Likely benign for KBG syndrome. Last evaluated: 2022-02-02. Review status: criteria provided, single submitter. Criteria: ACMG Guidelines, 2015. Collection method: clinical testing. Allele origin: germline. Inheritance: Autosomal dominant inheritance.
Comment: Based on the classification scheme VCGS_Germline_v1.3.4, this variant is classified as Likely benign. Following criteria are met: 0102 - Loss of function is a known mechanism of disease in this gene and is associated with KBG syndrome (MIM#148050). (I) 0107 - This gene is associated with autosomal dominant disease. (I) 0115 - Variants in this gene are known to have variable expressivity. Intra-familial variability is commonly reported (PMID: 29258554). (I) 0200 - Variant is predicted to result in a missense amino acid change from glutamic acid to lysine. (I) 0251 - This variant is heterozygous. (I) 0308 - Population frequency for this variant is out of keeping with known incidence of KBG syndrome (MIM#148050). (SB) 0503 - Missense variant consistently predicted to be tolerated by multiple in silico tools or not conserved in placental mammals with a minor amino acid change. (SB) 0604 - Variant is not located in an established domain, motif, hotspot or informative constraint region. (I) 0705 - No comparable missense variants have previous evidence for pathogenicity. (I) 0807 - This variant has no previous evidence of pathogenicity. (I) 0905 - No published segregation evidence has been identified for this variant. (I) 1007 - No published functional evidence has been identified for this variant. (I) Legend: (SP) - Supporting pathogenic, (I) - Information, (SB) - Supporting benign

Literature cited by the submitters: PubMed 29258554 (cited by Victorian Clinical Genetics Services, Murdoch Childrens Research Institute).

NM_013275.6(ANKRD11):c.6910G>A (p.Glu2304Lys)

Gene: ANKRD11 (ankyrin repeat domain 11; minus strand). Cytogenetic location: 16q24.3.
Variant type: single nucleotide variant.
Coding change: c.6910G>A on transcript NM_013275.6 (MANE Select); coding-DNA position 6910, G replaced by A.
Protein change: p.Glu2304Lys; replaces glutamic acid 2304 with lysine.
Molecular consequence: missense variant.
Genome position (GRCh38, 1-based): chr16:89,279,632, C>T on the plus strand (G>A on the coding strand, the complement: ANKRD11 is on the minus strand). VCF-style: chr16-89279632-C-T. GRCh37 (hg19) VCF-style: chr16-89346040-C-T.
Other names: c.6910G>A, p.Glu2304Lys (NM_001256182.2, NM_001256183.2); c.6910G>A (NM_013275.4); short protein forms E2304K.
Identifiers: ClinVar variation 1699269 (VCV001699269.9), dbSNP rs905177395, ClinGen allele CA286509685.
Genomic context (GRCh38, chr16:89,279,632, plus strand): 5'-GGGCTTCGGCCGTGGGTTTTGGTTCTGCGGCTTCCGGCTGGATGCCGCCAGGAGGGCCTT[C>T]GGCTGGGGCGGCGGCACGGGAGGCCTCAGTGTCGTCCTCGGGGCCGGCACCGTCTGCGGC-3'
Protein context (NP_037407.4, residues 2294-2314): TEASRAAAPA[Glu2304Lys]GPPGGIQPEA